The following is an entry in ClinVar:

ClinVar aggregate classification (germline): Uncertain significance (1 of 4 stars; one submission).

Conditions:
Pyridoxal phosphate-responsive seizures (PNPOD). Also called: Pyridoxal 5'-Phosphate (PLP)-Dependent Epilepsy; Pyridoxamine 5-Prime-Phosphate Oxidase Deficiency; Pyridoxine-5'-phosphate oxidase deficiency; EPILEPTIC ENCEPHALOPATHY, NEONATAL, PNPO-RELATED; SEIZURES, PYRIDOXINE-RESISTANT, PLP-SENSITIVE. Identifiers: Orphanet 79096, MedGen C1864723, MONDO:0012407, OMIM 610090. Disease mechanism: loss of function.

Allele frequency attached by ClinVar (database versions not stated): TOPMed 0.00001.

Submission:

Labcorp Genetics (formerly Invitae), Labcorp
Classification: Uncertain significance for Pyridoxal phosphate-responsive seizures. Last evaluated: 2022-07-26. Review status: criteria provided, single submitter. Criteria: Invitae Variant Classification Sherloc (09022015). Collection method: clinical testing. Allele origin: germline.
Comment: This sequence change replaces tryptophan, which is neutral and slightly polar, with serine, which is neutral and polar, at codon 4 of the PNPO protein (p.Trp4Ser). This variant is not present in population databases (gnomAD no frequency). This variant has not been reported in the literature in individuals affected with PNPO-related conditions. ClinVar contains an entry for this variant (Variation ID: 642446). Algorithms developed to predict the effect of missense changes on protein structure and function (SIFT, PolyPhen-2, Align-GVGD) all suggest that this variant is likely to be tolerated. In summary, the available evidence is currently insufficient to determine the role of this variant in disease. Therefore, it has been classified as a Variant of Uncertain Significance.

NM_018129.4(PNPO):c.11G>C (p.Trp4Ser)

Gene: PNPO (pyridoxamine 5'-phosphate oxidase; plus strand). Cytogenetic location: 17q21.32.
Variant type: single nucleotide variant.
Coding change: c.11G>C on transcript NM_018129.4 (MANE Select); coding-DNA position 11, G replaced by C.
Protein change: p.Trp4Ser; replaces tryptophan 4 with serine.
Molecular consequence: missense variant.
Genome position (GRCh38, 1-based): chr17:47,941,686, G>C. VCF-style: chr17-47941686-G-C. GRCh37 (hg19) VCF-style: chr17-46019052-G-C.
Other names: short protein forms W4S.
Identifiers: ClinVar variation 642446 (VCV000642446.6), dbSNP rs1466672254, ClinGen allele CA400054602.
Genomic context (GRCh38, chr17:47,941,686, plus strand): 5'-AAGGAACCCAGTGCCGGGCCACAGCCGGGTCACGTGGCCGGCGGCCCCCCATGACGTGCT[G>C]GCTGCGGGGCGTCACGGCGACGTTCGGGCGACCTGCCGAGTGGCCAGGCTACCTCAGTCA-3'
Protein context (NP_060599.1, residues 1-14): MTC[Trp4Ser]LRGVTATFGR